The following is an entry in ClinVar:

ClinVar aggregate classification (germline): Uncertain significance (1 of 4 stars; one submission).

Conditions:
Pyogenic arthritis-pyoderma gangrenosum-acne syndrome (PAPA). Also called: PAPA SYNDROME; FAMILIAL RECURRENT ARTHRITIS. Identifiers: Orphanet 69126, MedGen C1858361, MONDO:0011462, OMIM 604416.

Submission:

Labcorp Genetics (formerly Invitae), Labcorp
Classification: Uncertain significance for Pyogenic arthritis-pyoderma gangrenosum-acne syndrome. Last evaluated: 2024-04-07. Review status: criteria provided, single submitter. Criteria: Invitae Variant Classification Sherloc (09022015). Collection method: clinical testing. Allele origin: germline.
Comment: This sequence change affects codon 202 of the PSTPIP1 mRNA. It is a 'silent' change, meaning that it does not change the encoded amino acid sequence of the PSTPIP1 protein. This variant is not present in population databases (gnomAD no frequency). This variant has not been reported in the literature in individuals affected with PSTPIP1-related conditions. Algorithms developed to predict the effect of sequence changes on RNA splicing suggest that this variant may disrupt the consensus splice site. In summary, the available evidence is currently insufficient to determine the role of this variant in disease. Therefore, it has been classified as a Variant of Uncertain Significance.

NM_003978.5(PSTPIP1):c.604C>A (p.Arg202=)

Gene: PSTPIP1 (proline-serine-threonine phosphatase interacting protein 1; plus strand). Cytogenetic location: 15q24.3.
Variant type: single nucleotide variant.
Coding change: c.604C>A on transcript NM_003978.5 (MANE Select); coding-DNA position 604, C replaced by A.
Protein change: p.Arg202=; no amino-acid change (arginine 202 retained).
Molecular consequence: synonymous variant.
Genome position (GRCh38, 1-based): chr15:77,030,543, C>A. VCF-style: chr15-77030543-C-A. GRCh37 (hg19) VCF-style: chr15-77322884-C-A.
Other names: c.604C>A, p.Arg202= (NM_001321135.2, NM_001411086.1); c.577C>A, p.Arg193= (NM_001321136.2); c.799C>A, p.Arg267= (NM_001321137.1).
Identifiers: ClinVar variation 3624878 (VCV003624878.2).